The following is an entry in ClinVar:

NM_000264.5(PTCH1):c.1579C>G (p.Gln527Glu)

Gene: PTCH1 (patched 1; minus strand). Cytogenetic location: 9q22.32.
Variant type: single nucleotide variant.
Coding change: c.1579C>G on transcript NM_000264.5 (MANE Select); coding-DNA position 1579, C replaced by G.
Protein change: p.Gln527Glu; replaces glutamine 527 with glutamic acid.
Molecular consequence: missense variant. On other transcripts: non-coding transcript variant (1).
Genome position (GRCh38, 1-based): chr9:95,476,782, G>C on the plus strand (C>G on the coding strand, the complement: PTCH1 is on the minus strand). VCF-style: chr9-95476782-G-C. GRCh37 (hg19) VCF-style: chr9-98239064-G-C.
Other names: c.1381C>G, p.Gln461Glu (NM_001083602.3); c.1576C>G, p.Gln526Glu (NM_001083603.3); c.1126C>G, p.Gln376Glu (NM_001083604.3, NM_001083605.3, NM_001083606.3 and 1 more transcripts); c.1423C>G, p.Gln475Glu (NM_001354918.2); short protein forms Q376E, Q475E, Q527E, Q461E, Q526E.
Identifiers: ClinVar variation 5027511 (VCV005027511.1).
Genomic context (GRCh38, chr9:95,476,782, plus strand): 5'-ATGTCCCCAAAGCTCTCTTCTTTTGTTTTTGCATTACCTCAAAAGGGATTCTTTTATTCT[G>C]TCCTGTTTCACTGAAGGCGTGGGCCAGAAGAAAAACATCATCCACACCAACACCAAGAGC-3'
Protein context (NP_000255.2, residues 517-537): LLAHAFSETG[Gln527Glu]NKRIPFEDRT

ClinVar aggregate classification (germline): Uncertain significance (1 of 4 stars; one submission).

Conditions:
Hereditary cancer-predisposing syndrome. Also called: Neoplastic Syndromes, Hereditary; Tumor predisposition; Hereditary neoplastic syndrome; Hereditary Cancer Syndrome. Identifiers: Orphanet 140162, MedGen C0027672, MeSH D009386, MONDO:0015356.

Submission:

Ambry Genetics
Classification: Uncertain significance for Hereditary cancer-predisposing syndrome. Last evaluated: 2026-07-07. Review status: criteria provided, single submitter. Criteria: Ambry Variant Classification Scheme 2023. Collection method: clinical testing. Allele origin: germline.
Comment: The p.Q461E variant (also known as c.1381C>G), located in coding exon 11 of the PTCH1 gene, results from a C to G substitution at nucleotide position 1381. The glutamine at codon 461 is replaced by glutamic acid, an amino acid with highly similar properties. This amino acid position is conserved. In addition, the in silico prediction for this alteration is inconclusive. Based on the available evidence, the clinical significance of this variant remains unclear.